The following is an entry in ClinVar:

NM_002768.5(CHMP1A):c.106-317C>A

Gene: CHMP1A (charged multivesicular body protein 1A; minus strand). Cytogenetic location: 16q24.3.
Variant type: single nucleotide variant.
Coding change: c.106-317C>A on transcript NM_002768.5 (MANE Select); 317 bases into the intron before coding-DNA position 106, C replaced by A.
Molecular consequence: intron variant.
Genome position (GRCh38, 1-based): chr16:89,649,814, G>T on the plus strand (C>A on the coding strand, the complement: CHMP1A is on the minus strand). VCF-style: chr16-89649814-G-T. GRCh37 (hg19) VCF-style: chr16-89716222-G-T.
Other names: c.86-317C>A (NM_001083314.4).
Identifiers: ClinVar variation 668887 (VCV000668887.1), dbSNP rs4785699, ClinGen allele CA14273896.

ClinVar aggregate classification (germline): Benign (1 of 4 stars; one submission).

Allele frequency attached by ClinVar (database versions not stated): gnomAD 0.24138; 1000 Genomes Project 0.24341; 1000 Genomes Project 30x 0.24360; TOPMed 0.24490.

Submission:

GeneDx
Classification: Benign. Last evaluated: 2018-06-19. Review status: criteria provided, single submitter. Criteria: GeneDx Variant Classification (06012015). Collection method: clinical testing. Allele origin: germline. Affected: yes.
Comment: This variant is considered likely benign or benign based on one or more of the following criteria: it is a conservative change, it occurs at a poorly conserved position in the protein, it is predicted to be benign by multiple in silico algorithms, and/or has population frequency not consistent with disease.